The following is an entry in ClinVar:

NM_000080.4(CHRNE):c.1016_1032+2dup

Gene: CHRNE (cholinergic receptor nicotinic epsilon subunit; minus strand). Cytogenetic location: 17p13.2.
Variant type: Duplication.
Coding change: c.1016_1032+2dup on transcript NM_000080.4 (MANE Select); coding-DNA position 1016 through the canonical splice donor site of the intron after coding-DNA position 1032, 19 bases duplicated (CCCCGCGGCTGCGCCACGT).
Molecular consequence: splice donor variant.
Genome position (GRCh38, 1-based): chr17:4,899,466-4,899,484, ACGTGGCGCAGCCGCGGGG duplicated on the plus strand (CCCCGCGGCTGCGCCACGT on the coding strand, the reverse complement: CHRNE is on the minus strand); duplicating any 19 consecutive bases within chr17:4,899,466-4,899,486 gives the same sequence; the c. name uses the placement nearest the transcript's 3' end. VCF-style (leftmost placement, unchanged base first): chr17-4899465-T-TACGTGGCGCAGCCGCGGGG. GRCh37 (hg19) VCF-style: chr17-4802760-T-TACGTGGCGCAGCCGCGGGG.
Identifiers: ClinVar variation 2692228 (VCV002692228.5), dbSNP rs2507543360, ClinGen allele CA2697556117.

ClinVar aggregate classification (germline): Pathogenic/Likely pathogenic. Review status: criteria provided, multiple submitters, no conflicts (2 of 4 stars). 3 submissions from 2 submitters: Pathogenic (1); Likely pathogenic (1). 1 of the submissions does not count toward it. Last evaluated 2026-02-18.

Conditions:
Congenital myasthenic syndrome (CMS). Also called: Congenital Myasthenic Syndromes. Identifiers: Orphanet 590, MedGen C0751882, MeSH D020294, MONDO:0018940.
Congenital myasthenic syndrome 4B. Also called: Myasthenic syndrome, congenital, 4b, fast-channel. Identifiers: Orphanet 590, MedGen C4225369, MONDO:0014586, OMIM 616324.

Submissions (3):

GeneDx
Classification: Pathogenic. Last evaluated: 2026-02-18. Review status: criteria provided, single submitter. Criteria: GeneDx Variant Classification Process June 2021. Collection method: clinical testing. Allele origin: germline.
Comment: Canonical splice site variant predicted to result in a null allele in a gene for which loss of function is a known mechanism of disease; Not observed at significant frequency in large population cohorts (gnomAD); This variant is associated with the following publications: (PMID: 37646703)

Breakthrough Genomics
Classification: Likely pathogenic for Congenital myasthenic syndrome 4B. Last evaluated: 2021-10-26. Review status: criteria provided, single submitter. Criteria: ACMG Guidelines, 2015. Collection method: clinical testing. Allele origin: germline. Affected: yes.
Comment: This variant seems to be a novel variant, as it has not been previously reported in population or public databases or in the literature. However, splice variants, lying downstream of the variant, have been reported as pathogenic/likely pathogenic in the ClinVar database in the context of slow-channel congenital myasthenic syndrome 4a. Loss-of-function variants in the CHRNE are known to be pathogenic [PMID: 22678886]

Breakthrough Genomics
Classification: Likely pathogenic for Congenital myasthenic syndrome. Last evaluated: 2021-11-26. Review status: no assertion criteria provided. Collection method: clinical testing. Allele origin: germline. Affected: yes. Observed: 1 variant allele. Not counted in ClinVar's aggregate classification.